The following is an entry in ClinVar:

NM_005802.5(TOPORS):c.1334C>T (p.Ser445Leu)

Gene: TOPORS (TOP1 binding arginine/serine rich protein, E3 ubiquitin ligase; minus strand). Cytogenetic location: 9p21.1.
Variant type: single nucleotide variant.
Coding change: c.1334C>T on transcript NM_005802.5 (MANE Select); coding-DNA position 1334, C replaced by T.
Protein change: p.Ser445Leu; replaces serine 445 with leucine.
Molecular consequence: missense variant.
Genome position (GRCh38, 1-based): chr9:32,543,191, G>A on the plus strand (C>T on the coding strand, the complement: TOPORS is on the minus strand). VCF-style: chr9-32543191-G-A. GRCh37 (hg19) VCF-style: chr9-32543189-G-A.
Other names: c.1139C>T, p.Ser380Leu (NM_001195622.2); short protein forms S380L, S445L.
Identifiers: ClinVar variation 4881529 (VCV004881529.2).

ClinVar aggregate classification (germline): Uncertain significance (1 of 4 stars; one submission).

Conditions:
Retinitis pigmentosa 31 (RP31). Identifiers: Orphanet 791, MedGen C1835923, MONDO:0012367, OMIM 609923.

Submission:

Dasa
Classification: Uncertain significance for Retinitis pigmentosa 31. Last evaluated: 2025-10-20. Review status: criteria provided, single submitter. Criteria: DASA Assertion Criteria. Collection method: clinical testing. Allele origin: germline.
Comment: NM_005802.5(TOPORS):c.1334C>T (p.Ser445Leu) is a missense variant that results in the substitution of serine with leucine. This variant is absent from population databases. The currently available literature and clinical evidence are not sufficient to establish a definitive association between this variant and the reported condition. Therefore, this variant is classified as a variant of uncertain significance.